The following is an entry in ClinVar:

ClinVar aggregate classification (germline): Uncertain significance. Review status: criteria provided, multiple submitters, no conflicts (2 of 4 stars). 2 submissions from 2 submitters: Uncertain significance (2). Last evaluated 2024-02-16.

Allele frequency attached by ClinVar (database versions not stated): ExAC 0.00001; gnomAD exomes 0.00001; gnomAD 0.00002; TOPMed 0.00004.
gnomAD v4.1: 15 of 1,612,668 alleles (0.00093%); highest among the groups gnomAD compares: African/African-American, 0.0027%; no homozygotes.

Submissions (2):

Labcorp Genetics (formerly Invitae), Labcorp
Classification: Uncertain significance. Last evaluated: 2024-02-16. Review status: criteria provided, single submitter. Criteria: Invitae Variant Classification Sherloc (09022015). Collection method: clinical testing. Allele origin: germline.
Comment: This sequence change replaces arginine, which is basic and polar, with tryptophan, which is neutral and slightly polar, at codon 626 of the SAMD11 protein (p.Arg626Trp). The frequency data for this variant in the population databases is considered unreliable, as metrics indicate poor data quality at this position in the gnomAD database. This variant has not been reported in the literature in individuals affected with SAMD11-related conditions. ClinVar contains an entry for this variant (Variation ID: 1036084). An algorithm developed to predict the effect of missense changes on protein structure and function (PolyPhen-2) suggests that this variant is likely to be disruptive. In summary, the available evidence is currently insufficient to determine the role of this variant in disease. Therefore, it has been classified as a Variant of Uncertain Significance.

Blueprint Genetics
Classification: Uncertain significance. Last evaluated: 2024-01-11. Review status: criteria provided, single submitter. Criteria: ACMG Guidelines, 2015. Collection method: clinical testing. Allele origin: germline.

NM_001385641.1(SAMD11):c.2365C>T (p.Arg789Trp)

Gene: SAMD11 (sterile alpha motif domain containing 11; plus strand). Cytogenetic location: 1p36.33.
Variant type: single nucleotide variant.
Coding change: c.2365C>T on transcript NM_001385641.1 (MANE Select); coding-DNA position 2365, C replaced by T.
Protein change: p.Arg789Trp; replaces arginine 789 with tryptophan.
Molecular consequence: missense variant.
Genome position (GRCh38, 1-based): chr1:943,983, C>T. VCF-style: chr1-943983-C-T. GRCh37 (hg19) VCF-style: chr1-879363-C-T.
Other names: c.2368C>T, p.Arg790Trp (NM_001385640.1); c.1876C>T, p.Arg626Trp (NM_152486.4); short protein forms R626W, R789W, R790W.
Identifiers: ClinVar variation 1036084 (VCV001036084.11), dbSNP rs749874826, ClinGen allele CA503358.
Genomic context (GRCh38, chr1:943,983, plus strand): 5'-GGCCGAGTTTTCTACGTGGCCAGCTTCCCCGTGGCTCTGCCACTGCAGCCACCAACCCTG[C>T]GGGCCCCGGAGCGAGAACTCGGCACAGGAGAGCAGCCCTTGTCCCCCACGACGGCCACGT-3'
Protein context (NP_001372570.1, residues 779-799): VALPLQPPTL[Arg789Trp]APERELGTGE